The following is an entry in ClinVar:

NM_001077653.2(TBX20):c.380+4G>A

Gene: TBX20 (T-box transcription factor 20; minus strand). Cytogenetic location: 7p14.2.
Variant type: single nucleotide variant.
Coding change: c.380+4G>A on transcript NM_001077653.2 (MANE Select); 4 bases into the intron after coding-DNA position 380, G replaced by A.
Molecular consequence: intron variant.
Genome position (GRCh38, 1-based): chr7:35,249,947, C>T on the plus strand (G>A on the coding strand, the complement: TBX20 is on the minus strand). VCF-style: chr7-35249947-C-T. GRCh37 (hg19) VCF-style: chr7-35289559-C-T.
Other names: c.380+4G>A (NM_001166220.1).
Identifiers: ClinVar variation 2013616 (VCV002013616.4), dbSNP rs1478363374, ClinGen allele CA2580077075.

ClinVar aggregate classification (germline): Uncertain significance (1 of 4 stars; one submission).

Submission:

Labcorp Genetics (formerly Invitae), Labcorp
Classification: Uncertain significance. Last evaluated: 2022-07-03. Review status: criteria provided, single submitter. Criteria: Invitae Variant Classification Sherloc (09022015). Collection method: clinical testing. Allele origin: germline.
Comment: This sequence change falls in intron 2 of the TBX20 gene. It does not directly change the encoded amino acid sequence of the TBX20 protein. It affects a nucleotide within the consensus splice site. In summary, the available evidence is currently insufficient to determine the role of this variant in disease. Therefore, it has been classified as a Variant of Uncertain Significance. Variants that disrupt the consensus splice site are a relatively common cause of aberrant splicing (PMID: 17576681, 9536098). Algorithms developed to predict the effect of sequence changes on RNA splicing suggest that this variant is not likely to affect RNA splicing. This variant has not been reported in the literature in individuals affected with TBX20-related conditions. This variant is not present in population databases (gnomAD no frequency).

Literature cited by the submitters: PubMed 17576681; PubMed 9536098.